The following is an entry in ClinVar:

ClinVar aggregate classification (germline): Uncertain significance (1 of 4 stars; one submission).

Allele frequency attached by ClinVar (database versions not stated): TOPMed below 0.00001; gnomAD 0.00001.

Submission:

Labcorp Genetics (formerly Invitae), Labcorp
Classification: Uncertain significance. Last evaluated: 2023-11-27. Review status: criteria provided, single submitter. Criteria: Invitae Variant Classification Sherloc (09022015). Collection method: clinical testing. Allele origin: germline.
Comment: This sequence change replaces proline, which is neutral and non-polar, with histidine, which is basic and polar, at codon 386 of the AEBP1 protein (p.Pro386His). This variant is present in population databases (no rsID available, gnomAD 0.01%). This variant has not been reported in the literature in individuals affected with AEBP1-related conditions. ClinVar contains an entry for this variant (Variation ID: 2120666). An algorithm developed to predict the effect of missense changes on protein structure and function (PolyPhen-2) suggests that this variant is likely to be disruptive. In summary, the available evidence is currently insufficient to determine the role of this variant in disease. Therefore, it has been classified as a Variant of Uncertain Significance.

NM_001129.5(AEBP1):c.1157C>A (p.Pro386His)

Gene: AEBP1 (AE binding protein 1; plus strand). Cytogenetic location: 7p13.
Variant type: single nucleotide variant.
Coding change: c.1157C>A on transcript NM_001129.5 (MANE Select); coding-DNA position 1157, C replaced by A.
Protein change: p.Pro386His; replaces proline 386 with histidine.
Molecular consequence: missense variant.
Genome position (GRCh38, 1-based): chr7:44,110,021, C>A. VCF-style: chr7-44110021-C-A. GRCh37 (hg19) VCF-style: chr7-44149620-C-A.
Other names: short protein forms P386H.
Identifiers: ClinVar variation 2120666 (VCV002120666.4), dbSNP rs1175682016, ClinGen allele CA367361308.